The following is an entry in ClinVar:

NM_000077.5(CDKN2A):c.295C>G (p.Arg99Gly)

Gene: CDKN2A (cyclin dependent kinase inhibitor 2A; minus strand). Cytogenetic location: 9p21.3.
Variant type: single nucleotide variant.
Coding change: c.295C>G on transcript NM_000077.5; coding-DNA position 295, C replaced by G.
Protein change: p.Arg99Gly; replaces arginine 99 with glycine.
Molecular consequence: missense variant (on NM_000077.6). On other transcripts: 3 prime UTR variant (1).
Genome position (GRCh38, 1-based): chr9:21,971,064, G>C on the plus strand (C>G on the coding strand, the complement: CDKN2A is on the minus strand). VCF-style: chr9-21971064-G-C. GRCh37 (hg19) VCF-style: chr9-21971063-G-C.
Other names: c.295C>G, p.Arg99Gly (NM_000077.6, NM_001195132.2); c.142C>G, p.Arg48Gly (NM_001363763.2); c.338C>G, p.Pro113Arg (NM_058195.4); c.*218C>G (NM_058197.5); short protein forms P113R, R99G, R48G.
Identifiers: ClinVar variation 372062 (VCV000372062.18), dbSNP rs34886500, ClinGen allele CA16042105.

ClinVar aggregate classification (germline): Conflicting classifications of pathogenicity. Review status: criteria provided, conflicting classifications (1 of 4 stars). 6 submissions from 6 submitters: Uncertain significance (4); Likely benign (1). 1 of the submissions does not count toward it. Last evaluated 2025-05-18.

Conditions:
Familial melanoma. Also called: Hereditary melanoma; Hereditary cutaneous melanoma. Identifiers: Orphanet 618, MedGen C1512419, MONDO:0018961.
Melanoma-pancreatic cancer syndrome. Identifiers: Orphanet 404560, MedGen C1838547, MONDO:0011713, OMIM 606719. Disease mechanism: loss of function.
Hereditary cancer-predisposing syndrome. Also called: Tumor predisposition; Neoplastic Syndromes, Hereditary; Hereditary Cancer Syndrome; Hereditary neoplastic syndrome. Identifiers: Orphanet 140162, MedGen C0027672, MeSH D009386, MONDO:0015356.

gnomAD v4.1: 7 of 1,605,426 alleles (0.00044%); highest among the groups gnomAD compares: Non-Finnish European, 0.00059%; no homozygotes.

Submissions (6):

Labcorp Genetics (formerly Invitae), Labcorp
Classification: Uncertain significance for Familial melanoma. Last evaluated: 2025-05-18. Review status: criteria provided, single submitter. Criteria: Invitae Variant Classification Sherloc (09022015). Collection method: clinical testing. Allele origin: germline.
Comment: The CDKN2A gene encodes two different proteins, p16INK4a and p14ARF, which are translated from alternative transcripts with different open reading frames. Both transcripts have been analyzed. We report either the variant with the higher classification or default to the CDKN2A (p16INK4a) variant. This report therefore includes the details for the CDKN2A (p16INK4a) variant. This sequence change replaces arginine, which is basic and polar, with glycine, which is neutral and non-polar, at codon 99 of the CDKN2A (p16INK4a) protein (p.Arg99Gly). This variant is not present in population databases (gnomAD no frequency). This missense change has been observed in individual(s) with malignant melanoma (PMID: 15122588). This variant is also known as c.338C>G (p.Pro113Arg) in the CDKN2A (p14ARF) transcript. ClinVar contains an entry for this variant (Variation ID: 372062). An algorithm developed to predict the effect of missense changes on protein structure and function (PolyPhen-2) suggests that this variant is likely to be tolerated. Experimental studies have shown that this missense change does not substantially affect CDKN2A (p16INK4a) function (PMID: 35001868). This variant disrupts the p.Arg99 amino acid residue in CDKN2A (p16INK4a). Other variant(s) that disrupt this residue have been determined to be pathogenic (PMID: 19260062, 20340136, 21462282, 23190892). This suggests that this residue is clinically significant, and that variants that disrupt this residue are likely to be disease-causing. In summary, the available evidence is currently insufficient to determine the role of this variant in disease. Therefore, it has been classified as a Variant of Uncertain Significance.

Quest Diagnostics Nichols Institute San Juan Capistrano
Classification: Uncertain significance. Last evaluated: 2024-07-02. Review status: criteria provided, single submitter. Criteria: Quest Diagnostics criteria. Collection method: clinical testing. Allele origin: unknown.
Comment: The CDKN2A c.295C>G (p.Arg99Gly) variant (also known as NM_058195.4:c.338C>G (p.Pro113Arg) in CDKN2A (P14-ARF)) has been reported in the published literature in an individual with malignant melanoma (PMID: 15122588 (2004)). This variant has not been reported in large, multi-ethnic general populations (Genome Aggregation Database). Analysis of this variant using bioinformatics tools for the prediction of the effect of amino acid changes on protein structure and function yielded predictions that this variant is damaging. Based on the available information, we are unable to determine the clinical significance of this variant.

Myriad Genetics, Inc.
Classification: Uncertain significance for Melanoma-pancreatic cancer syndrome. Last evaluated: 2023-04-20. Review status: criteria provided, single submitter. Criteria: Myriad Autosomal Dominant, Autosomal Recessive and X-Linked Classification Criteria (2023). Collection method: clinical testing. Allele origin: unknown.
Comment: This variant is classified as a variant of uncertain significance as there is insufficient evidence to determine its impact on protein function and/or cancer risk.

Ambry Genetics
Classification: Likely benign for Hereditary cancer-predisposing syndrome. Last evaluated: 2021-03-13. Review status: criteria provided, single submitter. Criteria: Ambry Variant Classification Scheme 2023. Collection method: clinical testing. Allele origin: germline.

Color Diagnostics, LLC DBA Color Health
Classification: Uncertain significance for Hereditary cancer-predisposing syndrome. Last evaluated: 2020-08-20. Review status: criteria provided, single submitter. Criteria: ACMG Guidelines, 2015. Collection method: clinical testing. Allele origin: germline.
Comment: This missense variant replaces arginine with glycine at codon 99 of the CDKN2A (p16INK4A) protein. Computational prediction suggests that this variant may not impact protein structure and function (internally defined REVEL score threshold <= 0.5, PMID: 27666373). To our knowledge, functional studies have not been reported for this variant. This variant has been reported in an individual affected with melanoma (PMID: 15122588). This variant has not been identified in the general population by the Genome Aggregation Database (gnomAD). A different missense variant occurring at the same codon, p.Arg99Pro, is associated with disease (Clinvar variation ID: 491572), indicating that arginine at this position is important for protein function. However, the available evidence is insufficient to determine the role of p.Arg99Gly variant in disease conclusively. Therefore, this variant is classified as a Variant of Uncertain Significance.

Counsyl
Classification: Uncertain significance for Melanoma-pancreatic cancer syndrome. Last evaluated: 2016-11-08. Review status: no assertion criteria provided. Collection method: clinical testing. Allele origin: unknown. Not counted in ClinVar's aggregate classification.

Literature cited by the submitters: PubMed 15122588 (cited by 4 submitters); PubMed 35001868 (cited by Labcorp Genetics (formerly Invitae), Labcorp); PubMed 19260062 (cited by Labcorp Genetics (formerly Invitae), Labcorp); PubMed 20340136 (cited by Labcorp Genetics (formerly Invitae), Labcorp); PubMed 21462282 (cited by Labcorp Genetics (formerly Invitae), Labcorp); PubMed 23190892 (cited by Labcorp Genetics (formerly Invitae), Labcorp); PubMed 19725989 (cited by Ambry Genetics).